The following is an entry in ClinVar:

NM_001122630.2(CDKN1C):c.522_523insGCGGCT (p.Ala174_Pro175insAlaAla)

Gene: CDKN1C (cyclin dependent kinase inhibitor 1C; minus strand). Cytogenetic location: 11p15.4.
Variant type: Insertion.
Coding change: c.522_523insGCGGCT on transcript NM_001122630.2 (MANE Select); coding-DNA positions 522 to 523, GCGGCT inserted.
Protein change: p.Ala174_Pro175insAlaAla.
Molecular consequence: inframe insertion. On other transcripts: intron variant (1).
Genome position: GRCh38 VCF-style: chr11-2884934-G-GAGCCGC. GRCh37 (hg19) VCF-style: chr11-2906164-G-GAGCCGC.
Other names: c.555_556insGCGGCT, p.Ala185_Pro186insAlaAla (NM_000076.2, NM_001362474.2); c.522_523insGCGGCT, p.Ala174_Pro175insAlaAla (NM_001122631.2); c.255+267_255+268insCGGCTG (NM_001362475.2).
Identifiers: ClinVar variation 1313763 (VCV001313763.2), dbSNP rs2133783914, ClinGen allele CA2573053488.

ClinVar aggregate classification (germline): Uncertain significance (1 of 4 stars; one submission).

Submission:

GeneDx
Classification: Uncertain significance. Last evaluated: 2021-01-08. Review status: criteria provided, single submitter. Criteria: GeneDx Variant Classification Process June 2021. Collection method: clinical testing. Allele origin: germline. Affected: yes.
Comment: Not observed in large population cohorts (Lek et al., 2016); In silico analysis supports that this variant does not alter splicing; Has not been previously published as pathogenic or benign to our knowledge